The following is an entry in ClinVar:

NM_017617.5(NOTCH1):c.2496G>T (p.Pro832=)

Gene: NOTCH1 (notch receptor 1; minus strand). Cytogenetic location: 9q34.3.
Variant type: single nucleotide variant.
Coding change: c.2496G>T on transcript NM_017617.5 (MANE Select); coding-DNA position 2496, G replaced by T.
Protein change: p.Pro832=; no amino-acid change (proline 832 retained).
Molecular consequence: synonymous variant.
Genome position (GRCh38, 1-based): chr9:136,511,243, C>A on the plus strand (G>T on the coding strand, the complement: NOTCH1 is on the minus strand). VCF-style: chr9-136511243-C-A. GRCh37 (hg19) VCF-style: chr9-139405695-C-A.
Other names: c.2496G>T, p.Pro832= (LRG_1122t1); c.2496G>T (NM_017617.4).
Identifiers: ClinVar variation 241125 (VCV000241125.39), dbSNP rs61751551, ClinGen allele CA5341289.
Genomic context (GRCh38, chr9:136,511,243, plus strand): 5'-GCTCTCATAGTCCTCGGATTGCCTGCACTCCCCGCCGTTTCTGCAGGGGCTGGGGGCACA[C>A]GGGGCCAGCACCACCTCACACGTGGCACCTGCGGGAAGGAGACACACGTGACCCCGGGAG-3'
Protein context (NP_060087.3, residues 822-842): TGATCEVVLA[Pro832=]CAPSPCRNGG

ClinVar aggregate classification (germline): Benign/Likely benign. Review status: criteria provided, multiple submitters, no conflicts (2 of 4 stars). 11 submissions from 10 submitters: Benign (5); Likely benign (5). 1 of the submissions does not count toward it. Last evaluated 2025-12-30.

Conditions:
NOTCH1-related disorder. Also called: NOTCH1-related condition; NOTCH1-related disorders.
Adams-Oliver syndrome 5 (AOS5). Identifiers: Orphanet 974, MedGen C4014970, MONDO:0014459, OMIM 616028.
Familial thoracic aortic aneurysm and aortic dissection (TAAD). Also called: Thoracic aortic aneurysms and dissections. Identifiers: Orphanet 91387, MedGen C4707243, MONDO:0019625.
Aortic valve disease 1 (AOVD1). Identifiers: MedGen C3887892, MONDO:0024523, OMIM 109730.

Allele frequency attached by ClinVar (database versions not stated): ESP Exome Variant Server 0.00167; TOPMed 0.00205; 1000 Genomes Project 0.00280; 1000 Genomes Project 30x 0.00297.
gnomAD v4.1: 698 of 1,612,436 alleles (0.043%); highest among the groups gnomAD compares: African/African-American, 0.63%; 4 homozygotes.

Submissions (11):

Labcorp Genetics (formerly Invitae), Labcorp
Classification: Benign for Adams-Oliver syndrome 5. Last evaluated: 2025-12-30. Review status: criteria provided, single submitter. Criteria: Invitae Variant Classification Sherloc (09022015). Collection method: clinical testing. Allele origin: germline.

CeGaT Center for Human Genetics Tuebingen
Classification: Likely benign. Last evaluated: 2025-01-01. Review status: criteria provided, single submitter. Criteria: CeGaT Center For Human Genetics Tuebingen Variant Classification Criteria Version 2. Collection method: clinical testing. Allele origin: germline. Affected: yes. Observed: 1 variant allele.
Comment: NOTCH1: BP4, BP7

Blueprint Genetics
Classification: Likely benign. Last evaluated: 2024-11-27. Review status: criteria provided, single submitter. Criteria: ACMG Guidelines, 2015. Collection method: clinical testing. Allele origin: germline.

Women's Health and Genetics/Laboratory Corporation of America, LabCorp
Classification: Benign. Last evaluated: 2023-07-21. Review status: criteria provided, single submitter. Criteria: LabCorp Variant Classification Summary - May 2015. Collection method: clinical testing. Allele origin: germline.

CHEO Genetics Diagnostic Laboratory, Children's Hospital of Eastern Ontario
Classification: Benign for Familial thoracic aortic aneurysm and aortic dissection. Last evaluated: 2022-11-17. Review status: criteria provided, single submitter. Criteria: ACMG Guidelines, 2015. Collection method: clinical testing. Allele origin: germline.

Genome-Nilou Lab
Classification: Benign for Adams-Oliver syndrome 5. Last evaluated: 2022-03-15. Review status: criteria provided, single submitter. Criteria: ACMG Guidelines, 2015. Collection method: clinical testing. Allele origin: germline. Affected: no.

Genome-Nilou Lab
Classification: Benign for Aortic valve disease 1. Last evaluated: 2022-03-15. Review status: criteria provided, single submitter. Criteria: ACMG Guidelines, 2015. Collection method: clinical testing. Allele origin: germline. Affected: no.

GeneDx
Classification: Likely benign. Last evaluated: 2020-12-21. Review status: criteria provided, single submitter. Criteria: GeneDx Variant Classification Process June 2021. Collection method: clinical testing. Allele origin: germline. Affected: yes.

Ambry Genetics
Classification: Likely benign for Familial thoracic aortic aneurysm and aortic dissection. Last evaluated: 2016-02-10. Review status: criteria provided, single submitter. Criteria: Ambry Variant Classification Scheme 2023. Collection method: clinical testing. Allele origin: germline.

Breakthrough Genomics
Classification: Likely benign. Review status: criteria provided, single submitter. Criteria: ACMG Guidelines, 2015. Collection method: not provided. Allele origin: germline. Inheritance: Autosomal dominant inheritance. Affected: yes.

PreventionGenetics, part of Exact Sciences
Classification: Benign for NOTCH1-related condition. Last evaluated: 2019-08-06. Review status: no assertion criteria provided. Collection method: clinical testing. Allele origin: germline. Not counted in ClinVar's aggregate classification.
Comment: This variant is classified as benign based on ACMG/AMP sequence variant interpretation guidelines (Richards et al. 2015 PMID: 25741868, with internal and published modifications).

Literature cited by the submitters: PubMed 24943832 (cited by Women's Health and Genetics/Laboratory Corporation of America, LabCorp); PubMed 16614245 (cited by Women's Health and Genetics/Laboratory Corporation of America, LabCorp); PubMed 21670202 (cited by Women's Health and Genetics/Laboratory Corporation of America, LabCorp); PubMed 22210878 (cited by Women's Health and Genetics/Laboratory Corporation of America, LabCorp); PubMed 19635999 (cited by Women's Health and Genetics/Laboratory Corporation of America, LabCorp); PubMed 26837699 (cited by Women's Health and Genetics/Laboratory Corporation of America, LabCorp); PubMed 23086750 (cited by Women's Health and Genetics/Laboratory Corporation of America, LabCorp); PubMed 19245433 (cited by Women's Health and Genetics/Laboratory Corporation of America, LabCorp); PubMed 22077063 (cited by Women's Health and Genetics/Laboratory Corporation of America, LabCorp); PubMed 15472075 (cited by Women's Health and Genetics/Laboratory Corporation of America, LabCorp); PubMed 23734977 (cited by Women's Health and Genetics/Laboratory Corporation of America, LabCorp); PubMed 22858860 (cited by Women's Health and Genetics/Laboratory Corporation of America, LabCorp).